The following is an entry in ClinVar:

NM_001277115.2(DNAH11):c.1116G>A (p.Trp372Ter)

Gene: DNAH11 (dynein axonemal heavy chain 11; plus strand). Cytogenetic location: 7p15.3.
Variant type: single nucleotide variant.
Coding change: c.1116G>A on transcript NM_001277115.2 (MANE Select); coding-DNA position 1116, G replaced by A.
Protein change: p.Trp372Ter; replaces tryptophan 372 with a stop codon.
Molecular consequence: nonsense.
Genome position (GRCh38, 1-based): chr7:21,564,319, G>A. VCF-style: chr7-21564319-G-A. GRCh37 (hg19) VCF-style: chr7-21603937-G-A.
Other names: short protein forms W372*.
Identifiers: ClinVar variation 4718629 (VCV004718629.1).

ClinVar aggregate classification (germline): Pathogenic (1 of 4 stars; one submission).

Conditions:
Primary ciliary dyskinesia. Also called: Ciliary dyskinesia. Identifiers: Orphanet 244, MedGen C0008780, MONDO:0016575, HP:0012265.

Submission:

Labcorp Genetics (formerly Invitae), Labcorp
Classification: Pathogenic for Primary ciliary dyskinesia. Last evaluated: 2025-05-13. Review status: criteria provided, single submitter. Criteria: Invitae Variant Classification Sherloc (09022015). Collection method: clinical testing. Allele origin: germline.
Comment: This sequence change creates a premature translational stop signal (p.Trp372*) in the DNAH11 gene. It is expected to result in an absent or disrupted protein product. Loss-of-function variants in DNAH11 are known to be pathogenic (PMID: 18022865, 20513915, 22184204). This variant is not present in population databases (gnomAD no frequency). This variant has not been reported in the literature in individuals affected with DNAH11-related conditions. For these reasons, this variant has been classified as Pathogenic.

Literature cited by the submitters: PubMed 18022865; PubMed 20513915; PubMed 22184204.